The following is an entry in ClinVar:

NM_001854.4(COL11A1):c.2566G>T (p.Gly856Ter)

Gene: COL11A1 (collagen type XI alpha 1 chain; minus strand). Cytogenetic location: 1p21.1.
Variant type: single nucleotide variant.
Coding change: c.2566G>T on transcript NM_001854.4 (MANE Select); coding-DNA position 2566, G replaced by T.
Protein change: p.Gly856Ter; replaces glycine 856 with a stop codon.
Molecular consequence: nonsense. On other transcripts: non-coding transcript variant (1).
Genome position (GRCh38, 1-based): chr1:102,979,426, C>A on the plus strand (G>T on the coding strand, the complement: COL11A1 is on the minus strand). VCF-style: chr1-102979426-C-A. GRCh37 (hg19) VCF-style: chr1-103444982-C-A.
Other names: c.2449G>T, p.Gly817Ter (NM_001190709.2); c.2602G>T, p.Gly868Ter (NM_080629.3); c.2218G>T, p.Gly740Ter (NM_080630.4); short protein forms G868*, G740*, G817*, G856*.
Identifiers: ClinVar variation 4735602 (VCV004735602.1).

ClinVar aggregate classification (germline): Pathogenic (1 of 4 stars; one submission).

Submission:

Labcorp Genetics (formerly Invitae), Labcorp
Classification: Pathogenic. Last evaluated: 2026-01-18. Review status: criteria provided, single submitter. Criteria: Invitae Variant Classification Sherloc (09022015). Collection method: clinical testing. Allele origin: germline.
Comment: This sequence change creates a premature translational stop signal (p.Gly856*) in the COL11A1 gene. It is expected to result in an absent or disrupted protein product. Loss-of-function variants in COL11A1 are known to be pathogenic (PMID: 20513134, 21035103, 23922384, 25240749, 32427345, 32756486). This variant is not present in population databases (gnomAD no frequency). This variant has not been reported in the literature in individuals affected with COL11A1-related conditions. For these reasons, this variant has been classified as Pathogenic.

Literature cited by the submitters: PubMed 20513134; PubMed 21035103; PubMed 23922384; PubMed 25240749; PubMed 32427345; PubMed 32756486.